The following is an entry in ClinVar:

NM_001330311.2(DVL1):c.1799G>A (p.Ser600Asn)

Gene: DVL1 (dishevelled segment polarity protein 1; minus strand). Cytogenetic location: 1p36.33.
Variant type: single nucleotide variant.
Coding change: c.1799G>A on transcript NM_001330311.2 (MANE Select); coding-DNA position 1799, G replaced by A.
Protein change: p.Ser600Asn; replaces serine 600 with asparagine.
Molecular consequence: missense variant.
Genome position (GRCh38, 1-based): chr1:1,336,431, C>T on the plus strand (G>A on the coding strand, the complement: DVL1 is on the minus strand). VCF-style: chr1-1336431-C-T. GRCh37 (hg19) VCF-style: chr1-1271811-C-T.
Other names: c.1724G>A, p.Ser575Asn (NM_004421.3); short protein forms S575N, S600N.
Identifiers: ClinVar variation 1708399 (VCV001708399.2), dbSNP rs2523130329, ClinGen allele CA337856743.

ClinVar aggregate classification (germline): Uncertain significance (1 of 4 stars; one submission).

Submission:

Centre of Medical Genetics, University Hospital Muenster
Classification: Uncertain significance. Last evaluated: 2022-06-08. Review status: criteria provided, single submitter. Criteria: ACMG Guidelines, 2015. Collection method: clinical testing. Allele origin: unknown. Affected: yes. Observed: 1 variant allele, 1 heterozygote.
Comment: ACMG categories: PM2,BP1